The following is an entry in ClinVar:

ClinVar aggregate classification (germline): Pathogenic (1 of 4 stars; one submission).

Conditions:
Hereditary cancer-predisposing syndrome. Also called: Neoplastic Syndromes, Hereditary; Tumor predisposition; Hereditary Cancer Syndrome; Hereditary neoplastic syndrome. Identifiers: Orphanet 140162, MedGen C0027672, MeSH D009386, MONDO:0015356.

Submission:

Ambry Genetics
Classification: Pathogenic for Hereditary cancer-predisposing syndrome. Last evaluated: 2026-04-27. Review status: criteria provided, single submitter. Criteria: Ambry Variant Classification Scheme 2023. Collection method: clinical testing. Allele origin: germline.
Comment: The c.1667dupA pathogenic mutation, located in coding exon 9 of the BRCA2 gene, results from a duplication of A at nucleotide position 1667, causing a translational frameshift with a predicted alternate stop codon (p.N556Kfs*4). This variant is considered to be rare based on population cohorts in the Genome Aggregation Database (gnomAD). This alteration is expected to result in loss of function by premature protein truncation or nonsense-mediated mRNA decay. As such, this alteration is interpreted as a disease-causing mutation.

NM_000059.4(BRCA2):c.1667dup (p.Asn556fs)

Gene: BRCA2 (BRCA2 DNA repair associated; plus strand). Cytogenetic location: 13q13.1.
Variant type: Duplication.
Coding change: c.1667dup on transcript NM_000059.4 (MANE Select); coding-DNA position 1667, one base duplicated (A; older notation c.1667dupA).
Protein change: p.Asn556fs; shifts the reading frame from asparagine 556.
Molecular consequence: frameshift variant. On other transcripts: non-coding transcript variant (1), intron variant (1).
Genome position (GRCh38, 1-based): chr13:32,333,145, A duplicated; the last of 3 consecutive A bases (chr13:32,333,143-32,333,145); duplicating any one gives the same sequence. VCF-style (leftmost placement, unchanged base first): chr13-32333142-C-CA. GRCh37 (hg19) VCF-style: chr13-32907279-C-CA.
Other names: c.1667dup, p.Asn556fs (NM_001406719.1, NM_001406720.1, NM_001406721.1 and 1 more transcripts); c.424+2115dup (NM_001406722.1); c.1667dupA (NM_000059.3); short protein forms N556fs.
Identifiers: ClinVar variation 4867843 (VCV004867843.1).